The following is an entry in ClinVar:

ClinVar aggregate classification (germline): Uncertain significance (1 of 4 stars; one submission).

Conditions:
Early Myoclonic Encephalopathy. Identifiers: MedGen C0270855.

gnomAD v4.1: 1 of 1,614,162 alleles (0.000062%); highest among the groups gnomAD compares: Non-Finnish European, 0.000085%; no homozygotes.

Submission:

Labcorp Genetics (formerly Invitae), Labcorp
Classification: Uncertain significance for Early Myoclonic Encephalopathy. Last evaluated: 2024-05-16. Review status: criteria provided, single submitter. Criteria: Invitae Variant Classification Sherloc (09022015). Collection method: clinical testing. Allele origin: germline.
Comment: This sequence change replaces histidine, which is basic and polar, with arginine, which is basic and polar, at codon 1338 of the JMJD1C protein (p.His1338Arg). This variant is present in population databases (rs781187548, gnomAD 0.0009%). This variant has not been reported in the literature in individuals affected with JMJD1C-related conditions. Advanced modeling of protein sequence and biophysical properties (such as structural, functional, and spatial information, amino acid conservation, physicochemical variation, residue mobility, and thermodynamic stability) performed at Invitae indicates that this missense variant is not expected to disrupt JMJD1C protein function with a negative predictive value of 80%. In summary, the available evidence is currently insufficient to determine the role of this variant in disease. Therefore, it has been classified as a Variant of Uncertain Significance.

NM_032776.3(JMJD1C):c.4013A>G (p.His1338Arg)

Gene: JMJD1C (jumonji domain containing 1C; minus strand). Cytogenetic location: 10q21.3.
Variant type: single nucleotide variant.
Coding change: c.4013A>G on transcript NM_032776.3 (MANE Select); coding-DNA position 4013, A replaced by G.
Protein change: p.His1338Arg; replaces histidine 1338 with arginine.
Molecular consequence: missense variant. On other transcripts: non-coding transcript variant (1).
Genome position (GRCh38, 1-based): chr10:63,207,656, T>C on the plus strand (A>G on the coding strand, the complement: JMJD1C is on the minus strand). VCF-style: chr10-63207656-T-C. GRCh37 (hg19) VCF-style: chr10-64967416-T-C.
Other names: c.3467A>G, p.His1156Arg (NM_001282948.2, NM_001318154.2); c.3149A>G, p.His1050Arg (NM_001318153.2); c.3899A>G, p.His1300Arg (NM_001322252.2); c.3356A>G, p.His1119Arg (NM_001322254.2, NM_001322258.2); short protein forms H1156R, H1338R, H1119R, H1300R, H1050R.
Identifiers: ClinVar variation 3653585 (VCV003653585.2).